The following is an entry in ClinVar:

ClinVar aggregate classification (germline): Uncertain significance (1 of 4 stars; one submission).

Allele frequency attached by ClinVar (database versions not stated): gnomAD 0.00001.
gnomAD v4.1: 2 of 1,612,806 alleles (0.00012%); highest among the groups gnomAD compares: African/African-American, 0.0027%; no homozygotes.

Submission:

Labcorp Genetics (formerly Invitae), Labcorp
Classification: Uncertain significance. Last evaluated: 2022-03-26. Review status: criteria provided, single submitter. Criteria: Invitae Variant Classification Sherloc (09022015). Collection method: clinical testing. Allele origin: germline.
Comment: This variant has not been reported in the literature in individuals affected with ORC1-related conditions. In summary, the available evidence is currently insufficient to determine the role of this variant in disease. Therefore, it has been classified as a Variant of Uncertain Significance. Algorithms developed to predict the effect of missense changes on protein structure and function output the following: SIFT: "Tolerated"; PolyPhen-2: "Benign"; Align-GVGD: "Class C0". The aspartic acid amino acid residue is found in multiple mammalian species, which suggests that this missense change does not adversely affect protein function. This variant is not present in population databases (gnomAD no frequency). This sequence change replaces glutamic acid, which is acidic and polar, with aspartic acid, which is acidic and polar, at codon 39 of the ORC1 protein (p.Glu39Asp).

NM_004153.4(ORC1):c.117A>C (p.Glu39Asp)

Gene: ORC1 (origin recognition complex subunit 1; minus strand). Cytogenetic location: 1p32.3.
Variant type: single nucleotide variant.
Coding change: c.117A>C on transcript NM_004153.4 (MANE Select); coding-DNA position 117, A replaced by C.
Protein change: p.Glu39Asp; replaces glutamic acid 39 with aspartic acid.
Molecular consequence: missense variant.
Genome position (GRCh38, 1-based): chr1:52,401,468, T>G on the plus strand (A>C on the coding strand, the complement: ORC1 is on the minus strand). VCF-style: chr1-52401468-T-G. GRCh37 (hg19) VCF-style: chr1-52867140-T-G.
Other names: c.117A>C, p.Glu39Asp (NM_001190818.2, NM_001190819.2); short protein forms E39D.
Identifiers: ClinVar variation 2117074 (VCV002117074.4), dbSNP rs1647704264, ClinGen allele CA340366552.